The following is an entry in ClinVar:

ClinVar aggregate classification (germline): Conflicting classifications of pathogenicity. Review status: criteria provided, conflicting classifications (1 of 4 stars). 2 submissions from 2 submitters: Pathogenic (1); Uncertain significance (1). Last evaluated 2024-10-11.

Conditions:
Ectopic tissue. Also called: Heterotopia. Identifiers: MedGen C0008519.

Submissions (2):

Athena Diagnostics
Classification: Uncertain significance. Last evaluated: 2024-10-11. Review status: criteria provided, single submitter. Criteria: Athena Diagnostics Criteria. Collection method: clinical testing. Allele origin: unknown.
Comment: Available data are insufficient to determine the clinical significance of the variant at this time. This variant has not been reported in large, multi-ethnic general populations. In some published literature, this variant is referred to as R102C. Polyphen and MutationTaster predict this amino acid change may be damaging to the protein.

Genetic Services Laboratory, University of Chicago
Classification: Pathogenic for Abnormality of neuronal migration. Last evaluated: 2013-02-08. Review status: criteria provided, single submitter. Criteria: ACMG Guidelines, 2007. Collection method: clinical testing. Allele origin: germline. Inheritance: Autosomal dominant inheritance. Affected: yes.

Literature cited by the submitters: PubMed 23365099 (cited by Athena Diagnostics).

NM_001195553.2(DCX):c.304C>T (p.Arg102Cys)

Gene: DCX (doublecortin; minus strand). Cytogenetic location: Xq23.
Variant type: single nucleotide variant.
Coding change: c.304C>T on transcript NM_001195553.2 (MANE Select); coding-DNA position 304, C replaced by T.
Protein change: p.Arg102Cys; replaces arginine 102 with cysteine.
Molecular consequence: missense variant.
Genome position (GRCh38, 1-based): chrX:111,410,095, G>A on the plus strand (C>T on the coding strand, the complement: DCX is on the minus strand). VCF-style: chrX-111410095-G-A. GRCh37 (hg19) VCF-style: chrX-110653323-G-A.
Other names: c.547C>T, p.Arg183Cys (NM_000555.3); c.304C>T, p.Arg102Cys (NM_001369370.1, NM_001369371.1, NM_001369372.1 and 5 more transcripts); short protein forms R102C, R183C.
Identifiers: ClinVar variation 158452 (VCV000158452.7), dbSNP rs587783541, ClinGen allele CA171923.